The following is an entry in ClinVar:

ClinVar aggregate classification (germline): Uncertain significance. Review status: criteria provided, multiple submitters, no conflicts (2 of 4 stars). 2 submissions from 2 submitters: Uncertain significance (2). Last evaluated 2024-01-02.

Conditions:
Exudative vitreoretinopathy 4 (EVR4). Identifiers: Orphanet 891, MedGen C1866176, MONDO:0011151, OMIM 601813.
Bone mineral density quantitative trait locus 1 (BMND1). Identifiers: MedGen C1866079, OMIM 601884.
Worth disease. Also called: ENDOSTEAL HYPEROSTOSIS, AUTOSOMAL DOMINANT; OSTEOSCLEROSIS, AUTOSOMAL DOMINANT; Autosomal dominant osteosclerosis, Worth type. Identifiers: Orphanet 2790, MedGen C0432273, MONDO:0007764, OMIM 144750.
Osteoporosis with pseudoglioma (OPPG). Also called: osteoporosis-pseudoglioma syndrome. Identifiers: Orphanet 2788, MedGen C0432252, MONDO:0009820, OMIM 259770.
Polycystic liver disease 4 with or without kidney cysts. Identifiers: MedGen C4693479, MONDO:0044327, OMIM 617875.
Autosomal dominant osteopetrosis 1 (OPTA1). Also called: OSTEOPETROSIS, AUTOSOMAL DOMINANT, TYPE I. Identifiers: Orphanet 2783, MedGen C1843330, MONDO:0011877, OMIM 607634.

Allele frequency attached by ClinVar (database versions not stated): TOPMed below 0.00001; ExAC 0.00001; gnomAD 0.00001; gnomAD exomes 0.00001; 1000 Genomes Project 0.00020; 1000 Genomes Project 30x 0.00031.
gnomAD v4.1: 11 of 1,612,628 alleles (0.00068%); highest among the groups gnomAD compares: African/African-American, 0.0013%; no homozygotes.

Submissions (2):

Fulgent Genetics
Classification: Uncertain significance for Worth disease; Osteoporosis with pseudoglioma; Exudative vitreoretinopathy 4; Bone mineral density quantitative trait locus 1; Autosomal dominant osteopetrosis 1; Polycystic liver disease 4 with or without kidney cysts. Last evaluated: 2024-01-02. Review status: criteria provided, single submitter. Criteria: ACMG Guidelines, 2015. Collection method: clinical testing. Allele origin: germline.

Labcorp Genetics (formerly Invitae), Labcorp
Classification: Uncertain significance. Last evaluated: 2023-03-23. Review status: criteria provided, single submitter. Criteria: Invitae Variant Classification Sherloc (09022015). Collection method: clinical testing. Allele origin: germline.
Comment: This sequence change replaces glycine, which is neutral and non-polar, with serine, which is neutral and polar, at codon 782 of the LRP5 protein (p.Gly782Ser). This variant is present in population databases (rs537161896, gnomAD 0.007%). This variant has not been reported in the literature in individuals affected with LRP5-related conditions. ClinVar contains an entry for this variant (Variation ID: 1378954). Advanced modeling of protein sequence and biophysical properties (such as structural, functional, and spatial information, amino acid conservation, physicochemical variation, residue mobility, and thermodynamic stability) has been performed at Invitae for this missense variant, however the output from this modeling did not meet the statistical confidence thresholds required to predict the impact of this variant on LRP5 protein function. In summary, the available evidence is currently insufficient to determine the role of this variant in disease. Therefore, it has been classified as a Variant of Uncertain Significance.

NM_002335.4(LRP5):c.2344G>A (p.Gly782Ser)

Gene: LRP5 (LDL receptor related protein 5; plus strand). Cytogenetic location: 11q13.2.
Variant type: single nucleotide variant.
Coding change: c.2344G>A on transcript NM_002335.4 (MANE Select); coding-DNA position 2344, G replaced by A.
Protein change: p.Gly782Ser; replaces glycine 782 with serine.
Molecular consequence: missense variant.
Genome position (GRCh38, 1-based): chr11:68,411,461, G>A. VCF-style: chr11-68411461-G-A. GRCh37 (hg19) VCF-style: chr11-68178929-G-A.
Other names: c.601G>A, p.Gly201Ser (NM_001291902.2); short protein forms G201S, G782S.
Identifiers: ClinVar variation 1378954 (VCV001378954.7), dbSNP rs537161896, ClinGen allele CA6149609.
Genomic context (GRCh38, chr11:68,411,461, plus strand): 5'-TCACTGAGCCTGCCCTTCTCCCTTGTGCCTTCCAGCTACATCTACTGGACCGAGTGGGGC[G>A]GCAAGCCGAGGATCGTGCGGGCCTTCATGGACGGGACCAACTGCATGACGCTGGTGGACA-3'
Protein context (NP_002326.2, residues 772-792): KGYIYWTEWG[Gly782Ser]KPRIVRAFMD